The following is an entry in ClinVar:

NM_016203.4(PRKAG2):c.119T>A (p.Leu40Gln)

Gene: PRKAG2 (protein kinase AMP-activated non-catalytic subunit gamma 2; minus strand). Cytogenetic location: 7q36.1.
Variant type: single nucleotide variant.
Coding change: c.119T>A on transcript NM_016203.4 (MANE Select); coding-DNA position 119, T replaced by A.
Protein change: p.Leu40Gln; replaces leucine 40 with glutamine.
Molecular consequence: missense variant. On other transcripts: 5 prime UTR variant (1).
Genome position (GRCh38, 1-based): chr7:151,786,537, A>T on the plus strand (T>A on the coding strand, the complement: PRKAG2 is on the minus strand). VCF-style: chr7-151786537-A-T. GRCh37 (hg19) VCF-style: chr7-151483623-A-T.
Other names: c.-14T>A (NM_001040633.2); short protein forms L40Q.
Identifiers: ClinVar variation 910975 (VCV000910975.17), dbSNP rs139653890, ClinGen allele CA054342.

ClinVar aggregate classification (germline): Uncertain significance. Review status: criteria provided, multiple submitters, no conflicts (2 of 4 stars). 5 submissions from 4 submitters: Uncertain significance (5). Last evaluated 2025-09-15.

Conditions:
Hypertrophic cardiomyopathy 6. Identifiers: MedGen C1833236, MONDO:0010946, OMIM 600858.
Wolff-Parkinson-White pattern. Also called: WPW SYNDROME; Auriculoventricular accessory pathway syndrome; False bundle branch block syndrome; Anomalous ventricular excitation syndrome. Identifiers: MedGen C0043202, MONDO:0008685, OMIM 194200, HP:0001716.
Cardiomyopathy (CMYO). Also called: Cardiomyopathies. Identifiers: Orphanet 167848, MedGen C0878544, MONDO:0004994, HP:0001638. Inheritance: Various modes of inheritance.
Lethal congenital glycogen storage disease of heart. Also called: GLYCOGEN STORAGE DISEASE OF HEART; PHOSPHORYLASE KINASE DEFICIENCY OF HEART. Identifiers: Orphanet 439854, MedGen C1849813, MONDO:0009867, OMIM 261740.
Hypertrophic cardiomyopathy. Also called: HYPERTROPHIC MYOCARDIOPATHY. Identifiers: Orphanet 217569, MedGen C0007194, MeSH D002312, MONDO:0005045, HP:0001639.

Allele frequency attached by ClinVar (database versions not stated): gnomAD exomes below 0.00001; TOPMed below 0.00001; ExAC 0.00001; gnomAD 0.00001; ESP Exome Variant Server 0.00008.
gnomAD v4.1: 6 of 1,608,350 alleles (0.00037%); highest among the groups gnomAD compares: Non-Finnish European, 0.00043%; no homozygotes.

Submissions (5):

Color Diagnostics, LLC DBA Color Health
Classification: Uncertain significance for Cardiomyopathy. Last evaluated: 2025-09-15. Review status: criteria provided, single submitter. Criteria: ACMG Guidelines, 2015. Collection method: clinical testing. Allele origin: germline.
Comment: This missense variant replaces leucine with glutamine at codon 40 of the PRKAG2 protein. Computational prediction is inconclusive regarding the impact of this variant on protein structure and function. To our knowledge, functional studies have not been reported for this variant. This variant has not been reported in individuals affected with PRKAG2-related disorders in the literature. This variant has been identified in 1/246796 chromosomes in the general population by the Genome Aggregation Database (gnomAD). The available evidence is insufficient to determine the role of this variant in disease conclusively. Therefore, this variant is classified as a Variant of Uncertain Significance.

All of Us Research Program, National Institutes of Health
Classification: Uncertain significance for Hypertrophic cardiomyopathy. Last evaluated: 2023-09-04. Review status: criteria provided, single submitter. Criteria: ACMG Guidelines, 2015. Collection method: clinical testing. Allele origin: germline. Inheritance: Autosomal dominant inheritance. Observed: 4 variant alleles, 4 heterozygotes.
Comment: This missense variant replaces leucine with glutamine at codon 40 of the PRKAG2 protein. Computational prediction is inconclusive regarding the impact of this variant on protein structure and function (internally defined REVEL score threshold 0.5 < inconclusive < 0.7, PMID: 27666373). To our knowledge, functional studies have not been reported for this variant. This variant has not been reported in individuals affected with cardiovascular disorders in the literature. This variant has been identified in 1/246796 chromosomes in the general population by the Genome Aggregation Database (gnomAD). The available evidence is insufficient to determine the role of this variant in disease conclusively. Therefore, this variant is classified as a Variant of Uncertain Significance.

This study involves interpretation of variants in research participants for the purpose of population health screening. Participant phenotype was not available at the time of variant classification. Additional details can be found in publication PMID: 35346344, PMCID: PMC8962531

Labcorp Genetics (formerly Invitae), Labcorp
Classification: Uncertain significance for Lethal congenital glycogen storage disease of heart. Last evaluated: 2022-03-14. Review status: criteria provided, single submitter. Criteria: Invitae Variant Classification Sherloc (09022015). Collection method: clinical testing. Allele origin: germline.
Comment: In summary, the available evidence is currently insufficient to determine the role of this variant in disease. Therefore, it has been classified as a Variant of Uncertain Significance. Algorithms developed to predict the effect of missense changes on protein structure and function are either unavailable or do not agree on the potential impact of this missense change (SIFT: "Tolerated"; PolyPhen-2: "Possibly Damaging"; Align-GVGD: "Class C0"). This variant has not been reported in the literature in individuals affected with PRKAG2-related conditions. The frequency data for this variant in the population databases is considered unreliable, as metrics indicate poor data quality at this position in the gnomAD database. ClinVar contains an entry for this variant (Variation ID: 910975). This sequence change replaces leucine, which is neutral and non-polar, with glutamine, which is neutral and polar, at codon 40 of the PRKAG2 protein (p.Leu40Gln).

Illumina Laboratory Services, Illumina
Classification: Uncertain significance for Wolff-Parkinson-White pattern. Last evaluated: 2018-01-13. Review status: criteria provided, single submitter. Criteria: ICSL Variant Classification Criteria 13 December 2019. Collection method: clinical testing. Allele origin: germline.

Illumina Laboratory Services, Illumina
Classification: Uncertain significance for Hypertrophic cardiomyopathy 6. Last evaluated: 2018-01-13. Review status: criteria provided, single submitter. Criteria: ICSL Variant Classification Criteria 13 December 2019. Collection method: clinical testing. Allele origin: germline.